The following is an entry in ClinVar:

NM_004369.4(COL6A3):c.8966-321G>A

Gene: COL6A3 (collagen type VI alpha 3 chain; minus strand). Cytogenetic location: 2q37.3.
Variant type: single nucleotide variant.
Coding change: c.8966-321G>A on transcript NM_004369.4 (MANE Select); 321 bases into the intron before coding-DNA position 8966, G replaced by A.
Molecular consequence: intron variant.
Genome position (GRCh38, 1-based): chr2:237,335,210, C>T on the plus strand (G>A on the coding strand, the complement: COL6A3 is on the minus strand). VCF-style: chr2-237335210-C-T. GRCh37 (hg19) VCF-style: chr2-238243853-C-T.
Other names: c.7145-321G>A (NM_057166.5); c.8348-321G>A (NM_057167.4).
Identifiers: ClinVar variation 673812 (VCV000673812.1), dbSNP rs55820303, ClinGen allele CA67829883.
Genomic context (GRCh38, chr2:237,335,210, plus strand): 5'-TAAGAAGATACTTTGGAAATGCAGCATACTAATCCTAAGTTGTGTTTGCTACAAAATGAG[C>T]CCCATAATTTAAAATATATTAAGTCATAAAATTTTAGGGTATGACATGAAATTCTTTTAA-3'

ClinVar aggregate classification (germline): Likely benign (1 of 4 stars; one submission).

Allele frequency attached by ClinVar (database versions not stated): 1000 Genomes Project 0.00539; 1000 Genomes Project 30x 0.00640.

Submission:

GeneDx
Classification: Likely benign. Last evaluated: 2018-06-16. Review status: criteria provided, single submitter. Criteria: GeneDx Variant Classification (06012015). Collection method: clinical testing. Allele origin: germline. Affected: yes.
Comment: This variant is considered likely benign or benign based on one or more of the following criteria: it is a conservative change, it occurs at a poorly conserved position in the protein, it is predicted to be benign by multiple in silico algorithms, and/or has population frequency not consistent with disease.